The following is an entry in ClinVar:

ClinVar aggregate classification (germline): Uncertain significance. Review status: criteria provided, multiple submitters, no conflicts (2 of 4 stars). 2 submissions from 2 submitters: Uncertain significance (2). Last evaluated 2025-03-17.

Conditions:
Perlman syndrome (PRLMNS). Identifiers: Orphanet 2849, MedGen C0796113, MONDO:0009965, OMIM 267000.

Allele frequency attached by ClinVar (database versions not stated): gnomAD 0.00001; ExAC 0.00002; gnomAD exomes 0.00002.
gnomAD v4.1: 15 of 1,613,876 alleles (0.00093%); highest among the groups gnomAD compares: East Asian, 0.033%; no homozygotes.

Submissions (2):

Labcorp Genetics (formerly Invitae), Labcorp
Classification: Uncertain significance for Perlman syndrome. Last evaluated: 2025-03-17. Review status: criteria provided, single submitter. Criteria: Invitae Variant Classification Sherloc (09022015). Collection method: clinical testing. Allele origin: germline.
Comment: This sequence change replaces isoleucine, which is neutral and non-polar, with valine, which is neutral and non-polar, at codon 238 of the DIS3L2 protein (p.Ile238Val). This variant is present in population databases (rs774656238, gnomAD 0.02%). This variant has not been reported in the literature in individuals affected with DIS3L2-related conditions. ClinVar contains an entry for this variant (Variation ID: 334933). Invitae Evidence Modeling of protein sequence and biophysical properties (such as structural, functional, and spatial information, amino acid conservation, physicochemical variation, residue mobility, and thermodynamic stability) indicates that this missense variant is not expected to disrupt DIS3L2 protein function with a negative predictive value of 80%. In summary, the available evidence is currently insufficient to determine the role of this variant in disease. Therefore, it has been classified as a Variant of Uncertain Significance.

Illumina Laboratory Services, Illumina
Classification: Uncertain significance for Perlman syndrome. Last evaluated: 2018-01-13. Review status: criteria provided, single submitter. Criteria: ICSL Variant Classification Criteria 13 December 2019. Collection method: clinical testing. Allele origin: germline.

NM_152383.5(DIS3L2):c.712A>G (p.Ile238Val)

Gene: DIS3L2 (DIS3 like 3'-5' exoribonuclease 2; plus strand). Cytogenetic location: 2q37.1.
Variant type: single nucleotide variant.
Coding change: c.712A>G on transcript NM_152383.5 (MANE Select); coding-DNA position 712, A replaced by G.
Protein change: p.Ile238Val; replaces isoleucine 238 with valine.
Molecular consequence: missense variant. On other transcripts: non-coding transcript variant (1).
Genome position (GRCh38, 1-based): chr2:232,136,481, A>G. VCF-style: chr2-232136481-A-G. GRCh37 (hg19) VCF-style: chr2-233001191-A-G.
Other names: c.712A>G, p.Ile238Val (NM_001257281.2); short protein forms I238V.
Identifiers: ClinVar variation 334933 (VCV000334933.13), dbSNP rs774656238, ClinGen allele CA2163932.
Genomic context (GRCh38, chr2:232,136,481, plus strand): 5'-TAATTCAGTTCTGCAGATAAACAACATTGACTATATCTTTGGTGTTTTTAGGTGGTTTAC[A>G]TCTTGGAGAAAAAACATTCTCGAGCAGCAACCGGCTTCCTCAAACTCTTGGCTGATAAGA-3'
Protein context (NP_689596.4, residues 228-248): SLQRSAKVVY[Ile238Val]LEKKHSRAAT